The following is an entry in ClinVar:

NM_002185.5(IL7R):c.221+2T>A

Gene: IL7R (interleukin 7 receptor; plus strand). Cytogenetic location: 5p13.2.
Variant type: single nucleotide variant.
Coding change: c.221+2T>A on transcript NM_002185.5 (MANE Select); the canonical splice donor site of the intron after coding-DNA position 221, T replaced by A.
Molecular consequence: splice donor variant.
Genome position (GRCh38, 1-based): chr5:35,860,992, T>A. VCF-style: chr5-35860992-T-A. GRCh37 (hg19) VCF-style: chr5-35861094-T-A.
Other names: c.221+2T>A (NM_001410734.1).
Identifiers: ClinVar variation 3592206 (VCV003592206.3).
Genomic context (GRCh38, chr5:35,860,992, plus strand): 5'-CTGACCTGTGCTTTTGAGGACCCAGATGTCAACATCACCAATCTGGAATTTGAAATATGG[T>A]GAGGGATGGTGGTTTTAATGGTTGCTTAGACATCCTCTGTCTCTCTTTTCATATGCTCTT-3'

ClinVar aggregate classification (germline): Pathogenic/Likely pathogenic. Review status: criteria provided, multiple submitters, no conflicts (2 of 4 stars). 2 submissions from 2 submitters: Pathogenic (1); Likely pathogenic (1). Last evaluated 2024-03-24.

Conditions:
Immunodeficiency 104. Also called: Severe combined immunodeficiency, autosomal recessive, T cell-negative, B cell-positive, NK cell-positive; SCID, AUTOSOMAL RECESSIVE, T CELL-NEGATIVE, B CELL-POSITIVE, NK CELL-POSITIVE; Severe Combined Immune Deficiency, Autosomal Recessive, TCell -Negative, B Cell-Positive, NK Cell-Positive, IL7R-Related; IMMUNODEFICIENCY 104, SEVERE COMBINED. Identifiers: MedGen C5676890, MONDO:0012163, OMIM 608971.

Submissions (2):

Fulgent Genetics
Classification: Likely pathogenic for Immunodeficiency 104. Last evaluated: 2024-03-24. Review status: criteria provided, single submitter. Criteria: ACMG Guidelines, 2015. Collection method: clinical testing. Allele origin: germline.

Labcorp Genetics (formerly Invitae), Labcorp
Classification: Pathogenic for Immunodeficiency 104. Last evaluated: 2024-03-12. Review status: criteria provided, single submitter. Criteria: Invitae Variant Classification Sherloc (09022015). Collection method: clinical testing. Allele origin: germline.
Comment: This sequence change affects a donor splice site in intron 2 of the IL7R gene. It is expected to disrupt RNA splicing. Variants that disrupt the donor or acceptor splice site typically lead to a loss of protein function (PMID: 16199547), and loss-of-function variants in IL7R are known to be pathogenic (PMID: 21664875, 26123418). This variant is not present in population databases (gnomAD no frequency). Disruption of this splice site has been observed in individuals with severe combined immunodeficiency (PMID: 21184155, 27807805). Algorithms developed to predict the effect of sequence changes on RNA splicing suggest that this variant may disrupt the consensus splice site. For these reasons, this variant has been classified as Pathogenic.

Literature cited by the submitters: PubMed 16199547 (cited by Labcorp Genetics (formerly Invitae), Labcorp); PubMed 21664875 (cited by Labcorp Genetics (formerly Invitae), Labcorp); PubMed 26123418 (cited by Labcorp Genetics (formerly Invitae), Labcorp); PubMed 21184155 (cited by Labcorp Genetics (formerly Invitae), Labcorp); PubMed 27807805 (cited by Labcorp Genetics (formerly Invitae), Labcorp).